The following is an entry in ClinVar:

ClinVar aggregate classification (germline): Pathogenic. Review status: reviewed by expert panel (3 of 4 stars). 2 submissions from 2 submitters: Pathogenic (1). 1 of the submissions does not count toward it. Last evaluated 2017-12-15.

Conditions:
Breast-ovarian cancer, familial, susceptibility to, 1 (BROVCA1). Also called: BRCA1 Hereditary Breast and Ovarian Cancer; OVARIAN CANCER, SUSCEPTIBILITY TO. Identifiers: Orphanet 145, MedGen C2676676, MONDO:0011450, OMIM 604370. Disease mechanism: loss of function.

Submissions (2):

Evidence-based Network for the Interpretation of Germline Mutant Alleles (ENIGMA)
Classification: Pathogenic for Breast-ovarian cancer, familial, susceptibility to, 1. Last evaluated: 2017-12-15. Review status: reviewed by expert panel. Criteria: ENIGMA BRCA1/2 Classification Criteria (2017-06-29). Collection method: curation. Allele origin: germline. Study: ENIGMA.
Comment: Variant allele predicted to encode a truncated non-functional protein.

Sharing Clinical Reports Project (SCRP)
Classification: Pathogenic for Breast-ovarian cancer, familial 1. Last evaluated: 2013-12-17. Review status: no assertion criteria provided. Collection method: clinical testing. Allele origin: germline. Not counted in ClinVar's aggregate classification.

NM_007294.4(BRCA1):c.4888_4889del (p.Glu1630fs)

Gene: BRCA1 (BRCA1 DNA repair associated; minus strand). Cytogenetic location: 17q21.31.
Variant type: Deletion.
Coding change: c.4888_4889del on transcript NM_007294.4 (MANE Select); coding-DNA positions 4888 to 4889, 2 bases deleted (GA; older notation c.4888_4889delGA).
Protein change: p.Glu1630fs; shifts the reading frame from glutamic acid 1630.
Molecular consequence: frameshift variant. On other transcripts: non-coding transcript variant (1).
Genome position (GRCh38, 1-based): chr17:43,071,025-43,071,026, TC deleted on the plus strand (GA on the coding strand, the reverse complement: BRCA1 is on the minus strand); deleting any 2 consecutive bases within chr17:43,071,025-43,071,027 gives the same sequence; the c. name uses the placement nearest the transcript's 3' end. VCF-style (leftmost placement, unchanged base first): chr17-43071024-TTC-T. GRCh37 (hg19) VCF-style: chr17-41223041-TTC-T.
Other names: 5007delGA; c.4888_4889delGA (NM_007294.3); c.1368_1369delAG, p.Glu457Lysfs (NM_001408480.1, NM_001408478.1, NM_001408479.1); c.1365_1366delAG, p.Glu456Lysfs (NM_001408481.1, NM_001408482.1, NM_001408483.1 and 5 more transcripts); c.1362_1363delAG, p.Glu455Lysfs (NM_001408492.1, NM_001408493.1); c.1338_1339delAG, p.Glu447Lysfs (NM_001408494.1); c.1332_1333delAG, p.Glu445Lysfs (NM_001408495.1); c.1314_1315delAG, p.Glu439Lysfs (NM_001408496.1, NM_001408497.1, NM_001408498.1 and 3 more transcripts); and 75 more; short protein forms E1630fs, E526fs, E1583fs, E1651fs.
Identifiers: ClinVar variation 252882 (VCV000252882.3), dbSNP rs879255490, ClinGen allele CA10586110.